The following is an entry in ClinVar:

NM_000489.6(ATRX):c.2540T>C (p.Phe847Ser)

Gene: ATRX (ATRX chromatin remodeler; minus strand). Cytogenetic location: Xq21.1.
Variant type: single nucleotide variant.
Coding change: c.2540T>C on transcript NM_000489.6 (MANE Select); coding-DNA position 2540, T replaced by C.
Protein change: p.Phe847Ser; replaces phenylalanine 847 with serine.
Molecular consequence: missense variant.
Genome position (GRCh38, 1-based): chrX:77,682,716, A>G on the plus strand (T>C on the coding strand, the complement: ATRX is on the minus strand). VCF-style: chrX-77682716-A-G. GRCh37 (hg19) VCF-style: chrX-76938208-A-G.
Other names: c.2426T>C, p.Phe809Ser (NM_138270.5); short protein forms F847S, F809S.
Identifiers: ClinVar variation 133660 (VCV000133660.27), dbSNP rs45624939, ClinGen allele CA157242.

ClinVar aggregate classification (germline): Benign/Likely benign. Review status: criteria provided, multiple submitters, no conflicts (2 of 4 stars). 8 submissions from 8 submitters: Benign (3); Likely benign (2). 3 of the submissions do not count toward it. Last evaluated 2026-01-26.

Conditions:
ATRX-related disorder. Also called: ATRX-related condition.
Inborn genetic diseases. Identifiers: MedGen C0950123, MeSH D030342.
Alpha thalassemia-X-linked intellectual disability syndrome (ATRX). Also called: X-linked alpha-thalassemia-mental retardation syndrome; ALPHA-THALASSEMIA/MENTAL RETARDATION SYNDROME, X-LINKED; ATR, NONDELETION TYPE; ATR-X syndrome; Alpha thalassemia mental retardation syndrome, nondeletion type, X-linked; XLMR hypotonic face syndrome. Identifiers: Orphanet 847, MedGen C1845055, MONDO:0010519, OMIM 301040.

Allele frequency attached by ClinVar (database versions not stated): gnomAD 0.00075 and 0.00100; gnomAD exomes 0.00098 and 0.00291; TOPMed 0.00154; ExAC 0.00315; 1000 Genomes Project 30x 0.00416; 1000 Genomes Project 0.00450.
gnomAD v4.1: 1,172 of 1,207,490 alleles (0.097%); highest among the groups gnomAD compares: East Asian, 3.3%; 19 homozygotes.

Submissions (8):

Labcorp Genetics (formerly Invitae), Labcorp
Classification: Benign for Alpha thalassemia-X-linked intellectual disability syndrome. Last evaluated: 2026-01-26. Review status: criteria provided, single submitter. Criteria: Invitae Variant Classification Sherloc (09022015). Collection method: clinical testing. Allele origin: germline.

Blueprint Genetics
Classification: Likely benign. Last evaluated: 2024-11-08. Review status: criteria provided, single submitter. Criteria: ACMG Guidelines, 2015. Collection method: clinical testing. Allele origin: germline.

GeneDx
Classification: Likely benign. Last evaluated: 2021-03-10. Review status: criteria provided, single submitter. Criteria: GeneDx Variant Classification Process June 2021. Collection method: clinical testing. Allele origin: germline. Affected: yes.

Ambry Genetics
Classification: Benign for Inborn genetic diseases. Last evaluated: 2016-08-23. Review status: criteria provided, single submitter. Criteria: Ambry Variant Classification Scheme 2023. Collection method: clinical testing. Allele origin: germline.

Eurofins Ntd Llc (ga)
Classification: Benign. Last evaluated: 2014-11-11. Review status: criteria provided, single submitter. Criteria: EGL Classification Definitions 2015. Collection method: clinical testing. Allele origin: germline. Observed: 1 variant allele, 1 hemizygote.

Natera, Inc.
Classification: Benign for X-linked alpha-thalassemia-mental retardation syndrome. Last evaluated: 2020-09-16. Review status: no assertion criteria provided. Collection method: clinical testing. Allele origin: germline. Not counted in ClinVar's aggregate classification.

PreventionGenetics, part of Exact Sciences
Classification: Benign for ATRX-related condition. Last evaluated: 2019-06-17. Review status: no assertion criteria provided. Collection method: clinical testing. Allele origin: germline. Not counted in ClinVar's aggregate classification.
Comment: This variant is classified as benign based on ACMG/AMP sequence variant interpretation guidelines (Richards et al. 2015 PMID: 25741868, with internal and published modifications).

ITMI
No classification provided. Condition: AllHighlyPenetrant. Last evaluated: 2013-09-19. Review status: no classification provided. Collection method: reference population. Allele origin: germline. Not counted in ClinVar's aggregate classification.
Comment: Please see associated publication for description of ethnicities

Literature cited by the submitters: PubMed 24728327 (cited by ITMI).